The following is an entry in ClinVar:

NM_002161.6(IARS1):c.1658C>A (p.Pro553His)

Gene: IARS1 (isoleucyl-tRNA synthetase 1; minus strand). Cytogenetic location: 9q22.31.
Variant type: single nucleotide variant.
Coding change: c.1658C>A on transcript NM_002161.6 (MANE Select); coding-DNA position 1658, C replaced by A.
Protein change: p.Pro553His; replaces proline 553 with histidine.
Molecular consequence: missense variant. On other transcripts: non-coding transcript variant (1).
Genome position (GRCh38, 1-based): chr9:92,264,971, G>T on the plus strand (C>A on the coding strand, the complement: IARS1 is on the minus strand). VCF-style: chr9-92264971-G-T. GRCh37 (hg19) VCF-style: chr9-95027253-G-T.
Other names: p.Pro553His; c.1658C>A, p.Pro553His (NM_001374299.1, NM_001374300.1, NM_001374301.1 and 14 more transcripts); c.1721C>A, p.Pro574His (NM_001378569.1); c.1679C>A, p.Pro560His (NM_001378571.1); c.1535C>A, p.Pro512His (NM_001378583.1); short protein forms P512H, P553H, P560H, P574H.
Identifiers: ClinVar variation 4081860 (VCV004081860.1).

ClinVar aggregate classification (germline): Likely pathogenic (1 of 4 stars; one submission).

Conditions:
Growth retardation, intellectual developmental disorder, hypotonia, and hepatopathy (GRIDHH). Also called: GROWTH RETARDATION, IMPAIRED INTELLECTUAL DEVELOPMENT, HYPOTONIA, AND HEPATOPATHY. Identifiers: Orphanet 541423, MedGen C4310720, MONDO:0014911, OMIM 617093.

Submission:

Molecular Genetics and NGS Laboratory, Hospital Fundacion Valle Del Lili
Classification: Likely pathogenic for Growth retardation, intellectual developmental disorder, hypotonia, and hepatopathy. Last evaluated: 2025-08-25. Review status: criteria provided, single submitter. Criteria: ACMG Guidelines, 2015. Collection method: clinical testing. Allele origin: germline. Affected: yes. Observed: 1 variant allele.
Comment: Currently, this variant is classified in databases such as Varsome and Franklin-Genoox as a variant of uncertain clinical significance (VUS). Additionally, this variant is located in a highly conserved genomic region, and in silico predictors classify it as likely deleterious.